The following is an entry in ClinVar:

ClinVar aggregate classification (germline): Uncertain significance (1 of 4 stars; one submission).

Conditions:
Cardiovascular phenotype. Identifiers: MedGen CN230736.

Submission:

Ambry Genetics
Classification: Uncertain significance for Cardiovascular phenotype. Last evaluated: 2025-07-17. Review status: criteria provided, single submitter. Criteria: Ambry Variant Classification Scheme 2023. Collection method: clinical testing. Allele origin: germline.
Comment: The p.R98S variant (also known as c.292C>A), located in coding exon 1 of the KCNQ1 gene, results from a C to A substitution at nucleotide position 292. The arginine at codon 98 is replaced by serine, an amino acid with dissimilar properties. This amino acid position is well conserved in available vertebrate species. In addition, the in silico prediction for this alteration is inconclusive. Based on the available evidence, the clinical significance of this variant remains unclear.

NM_000218.3(KCNQ1):c.292C>A (p.Arg98Ser)

Gene: KCNQ1 (potassium voltage-gated channel subfamily Q member 1; plus strand). Cytogenetic location: 11p15.5.
Variant type: single nucleotide variant.
Coding change: c.292C>A on transcript NM_000218.3 (MANE Select); coding-DNA position 292, C replaced by A.
Protein change: p.Arg98Ser; replaces arginine 98 with serine.
Molecular consequence: missense variant. On other transcripts: 5 prime UTR variant (1).
Genome position (GRCh38, 1-based): chr11:2,445,390, C>A. VCF-style: chr11-2445390-C-A. GRCh37 (hg19) VCF-style: chr11-2466620-C-A.
Other names: c.292C>A, p.Arg98Ser (NM_001406836.1, NM_001406838.1); c.-71C>A (NM_001406837.1); short protein forms R98S.
Identifiers: ClinVar variation 4090690 (VCV004090690.1).
Genomic context (GRCh38, chr11:2,445,390, plus strand): 5'-GACCTTGGCCCGCGGCCGCCGGTGAGCCTAGACCCGCGCGTCTCCATCTACAGCACGCGC[C>A]GCCCGGTGTTGGCGCGCACCCACGTCCAGGGCCGCGTCTACAACTTCCTCGAGCGTCCCA-3'
Protein context (NP_000209.2, residues 88-108): DPRVSIYSTR[Arg98Ser]PVLARTHVQG